The following is an entry in ClinVar:

NM_207346.3(TSEN54):c.802C>T (p.Pro268Ser)

Gene: TSEN54 (tRNA splicing endonuclease subunit 54; plus strand). Cytogenetic location: 17q25.1.
Variant type: single nucleotide variant.
Coding change: c.802C>T on transcript NM_207346.3 (MANE Select); coding-DNA position 802, C replaced by T.
Protein change: p.Pro268Ser; replaces proline 268 with serine.
Molecular consequence: missense variant.
Genome position (GRCh38, 1-based): chr17:75,521,883, C>T. VCF-style: chr17-75521883-C-T. GRCh37 (hg19) VCF-style: chr17-73517964-C-T.
Other names: c.802C>T (NM_207346.2); short protein forms P268S.
Identifiers: ClinVar variation 1425545 (VCV001425545.8), dbSNP rs757862450, ClinGen allele CA8764269.

ClinVar aggregate classification (germline): Uncertain significance. Review status: criteria provided, multiple submitters, no conflicts (2 of 4 stars). 2 submissions from 2 submitters: Uncertain significance (2). Last evaluated 2023-12-11.

Conditions:
Inborn genetic diseases. Identifiers: MedGen C0950123, MeSH D030342.

Allele frequency attached by ClinVar (database versions not stated): ExAC 0.00003; gnomAD exomes 0.00005.
gnomAD v4.1: 28 of 1,609,926 alleles (0.0017%); highest among the groups gnomAD compares: Admixed American, 0.022%; no homozygotes.

Submissions (2):

Labcorp Genetics (formerly Invitae), Labcorp
Classification: Uncertain significance. Last evaluated: 2023-12-11. Review status: criteria provided, single submitter. Criteria: Invitae Variant Classification Sherloc (09022015). Collection method: clinical testing. Allele origin: germline.
Comment: This sequence change replaces proline, which is neutral and non-polar, with serine, which is neutral and polar, at codon 268 of the TSEN54 protein (p.Pro268Ser). This variant is present in population databases (rs757862450, gnomAD 0.02%). This variant has not been reported in the literature in individuals affected with TSEN54-related conditions. ClinVar contains an entry for this variant (Variation ID: 1425545). Advanced modeling of protein sequence and biophysical properties (such as structural, functional, and spatial information, amino acid conservation, physicochemical variation, residue mobility, and thermodynamic stability) performed at Invitae indicates that this missense variant is not expected to disrupt TSEN54 protein function with a negative predictive value of 80%. In summary, the available evidence is currently insufficient to determine the role of this variant in disease. Therefore, it has been classified as a Variant of Uncertain Significance.

Ambry Genetics
Classification: Uncertain significance for Inborn genetic diseases. Last evaluated: 2021-05-29. Review status: criteria provided, single submitter. Criteria: Ambry Variant Classification Scheme 2023. Collection method: clinical testing. Allele origin: germline.